The following is an entry in ClinVar:

ClinVar aggregate classification (germline): Uncertain significance (1 of 4 stars; one submission).

Submission:

Labcorp Genetics (formerly Invitae), Labcorp
Classification: Uncertain significance. Last evaluated: 2022-10-13. Review status: criteria provided, single submitter. Criteria: Invitae Variant Classification Sherloc (09022015). Collection method: clinical testing. Allele origin: germline.
Comment: This sequence change replaces methionine, which is neutral and non-polar, with isoleucine, which is neutral and non-polar, at codon 192 of the FAM161A protein (p.Met192Ile). This variant is not present in population databases (gnomAD no frequency). This variant has not been reported in the literature in individuals affected with FAM161A-related conditions. Advanced modeling of protein sequence and biophysical properties (such as structural, functional, and spatial information, amino acid conservation, physicochemical variation, residue mobility, and thermodynamic stability) performed at Invitae indicates that this missense variant is not expected to disrupt FAM161A protein function. In summary, the available evidence is currently insufficient to determine the role of this variant in disease. Therefore, it has been classified as a Variant of Uncertain Significance.

NM_001201543.2(FAM161A):c.576G>A (p.Met192Ile)

Gene: FAM161A (FAM161 centrosomal protein A; minus strand). Cytogenetic location: 2p15.
Variant type: single nucleotide variant.
Coding change: c.576G>A on transcript NM_001201543.2 (MANE Select); coding-DNA position 576, G replaced by A.
Protein change: p.Met192Ile; replaces methionine 192 with isoleucine.
Molecular consequence: missense variant. On other transcripts: non-coding transcript variant (1).
Genome position (GRCh38, 1-based): chr2:61,840,428, C>T on the plus strand (G>A on the coding strand, the complement: FAM161A is on the minus strand). VCF-style: chr2-61840428-C-T. GRCh37 (hg19) VCF-style: chr2-62067563-C-T.
Other names: c.576G>A, p.Met192Ile (NM_032180.3); short protein forms M192I.
Identifiers: ClinVar variation 1963089 (VCV001963089.5), dbSNP rs2466028438, ClinGen allele CA346988859.